The following is an entry in ClinVar:

ClinVar aggregate classification (germline): Uncertain significance (1 of 4 stars; one submission).

Conditions:
Inborn genetic diseases. Identifiers: MedGen C0950123, MeSH D030342.

Submission:

Ambry Genetics
Classification: Uncertain significance for Inborn genetic diseases. Last evaluated: 2021-03-25. Review status: criteria provided, single submitter. Criteria: Ambry Variant Classification Scheme 2023. Collection method: clinical testing. Allele origin: germline.
Comment: The c.349C>T (p.R117W) alteration is located in exon 3 (coding exon 3) of the HCFC1 gene. This alteration results from a C to T substitution at nucleotide position 349, causing the arginine (R) at amino acid position 117 to be replaced by a tryptophan (W). The p.R117W alteration is predicted to be tolerated by in silico analysis. Based on insufficient or conflicting evidence, the clinical significance of this alteration remains unclear.

NM_005334.3(HCFC1):c.349C>T (p.Arg117Trp)

Gene: HCFC1 (host cell factor C1; minus strand). Cytogenetic location: Xq28.
Variant type: single nucleotide variant.
Coding change: c.349C>T on transcript NM_005334.3 (MANE Select); coding-DNA position 349, C replaced by T.
Protein change: p.Arg117Trp; replaces arginine 117 with tryptophan.
Molecular consequence: missense variant.
Genome position (GRCh38, 1-based): chrX:153,964,278, G>A on the plus strand (C>T on the coding strand, the complement: HCFC1 is on the minus strand). VCF-style: chrX-153964278-G-A. GRCh37 (hg19) VCF-style: chrX-153229729-G-A.
Other names: c.349C>T, p.Arg117Trp (NM_001410705.1); short protein forms R117W.
Identifiers: ClinVar variation 2230188 (VCV002230188.2), dbSNP rs2521726988, ClinGen allele CA415151433.